The following is an entry in ClinVar:

NM_001204.7(BMPR2):c.1495G>A (p.Glu499Lys)

Gene: BMPR2 (bone morphogenetic protein receptor type 2; plus strand). Cytogenetic location: 2q33.2.
Variant type: single nucleotide variant.
Coding change: c.1495G>A on transcript NM_001204.7 (MANE Select); coding-DNA position 1495, G replaced by A.
Protein change: p.Glu499Lys; replaces glutamic acid 499 with lysine.
Molecular consequence: missense variant.
Genome position (GRCh38, 1-based): chr2:202,552,797, G>A. VCF-style: chr2-202552797-G-A. GRCh37 (hg19) VCF-style: chr2-203417520-G-A.
Other names: short protein forms E499K.
Identifiers: ClinVar variation 3481365 (VCV003481365.1).
Genomic context (GRCh38, chr2:202,552,797, plus strand): 5'-ACAATCGAAGACTGTTGGGACCAGGATGCAGAGGCTCGGCTTACTGCACAGTGTGCTGAG[G>A]AAAGGATGGCTGAACTTATGATGATTTGGGAAAGAAACAAATCTGTGAGCCCAACAGTCA-3'
Protein context (NP_001195.2, residues 489-509): EARLTAQCAE[Glu499Lys]RMAELMMIWE

ClinVar aggregate classification (germline): Uncertain significance (1 of 4 stars; one submission).

Conditions:
Inborn genetic diseases. Identifiers: MedGen C0950123, MeSH D030342.

Submission:

Ambry Genetics
Classification: Uncertain significance for Inborn genetic diseases. Last evaluated: 2024-12-10. Review status: criteria provided, single submitter. Criteria: Ambry Variant Classification Scheme 2023. Collection method: clinical testing. Allele origin: germline.
Comment: The p.E499K variant (also known as c.1495G>A), located in coding exon 11 of the BMPR2 gene, results from a G to A substitution at nucleotide position 1495. The glutamic acid at codon 499 is replaced by lysine, an amino acid with similar properties. This amino acid position is conserved. In addition, this alteration is predicted to be deleterious by in silico analysis. Based on the available evidence, the clinical significance of this variant remains unclear.